The following is an entry in ClinVar:

ClinVar aggregate classification (germline): Pathogenic (1 of 4 stars; one submission).

gnomAD v4.1: 1 of 1,613,136 alleles (0.000062%); highest among the groups gnomAD compares: South Asian, 0.0011%; no homozygotes.

Submission:

GeneDx
Classification: Pathogenic. Last evaluated: 2023-02-15. Review status: criteria provided, single submitter. Criteria: GeneDx Variant Classification Process June 2021. Collection method: clinical testing. Allele origin: germline. Affected: yes.
Comment: Nonsense variant predicted to result in protein truncation or nonsense mediated decay in a gene for which loss-of-function is a known mechanism of disease; Not observed at significant frequency in large population cohorts (gnomAD); Has not been previously published as pathogenic or benign to our knowledge

NM_001348716.2(KDM6B):c.3466C>T (p.Arg1156Ter)

Gene: KDM6B (lysine demethylase 6B; plus strand). Cytogenetic location: 17p13.1.
Variant type: single nucleotide variant.
Coding change: c.3466C>T on transcript NM_001348716.2 (MANE Select); coding-DNA position 3466, C replaced by T.
Protein change: p.Arg1156Ter; replaces arginine 1156 with a stop codon.
Molecular consequence: nonsense.
Genome position (GRCh38, 1-based): chr17:7,849,846, C>T. VCF-style: chr17-7849846-C-T. GRCh37 (hg19) VCF-style: chr17-7753164-C-T.
Other names: c.3466C>T, p.Arg1156Ter (NM_001080424.2); short protein forms R1156*.
Identifiers: ClinVar variation 2430766 (VCV002430766.1), dbSNP rs1442099470, ClinGen allele CA397923947.
Genomic context (GRCh38, chr17:7,849,846, plus strand): 5'-GATGTTTCTGTCTTCATTCCACTGTCCTCCCGCAGGAATGCCAAGGTGAAAGGGAAGTTT[C>T]GAGAGTCCTACCTTTCCCCTGCCCAGTCTGTGAAACCGAAGATCAACACTGAGGAGAAGC-3'